The following is an entry in ClinVar:

ClinVar aggregate classification (germline): Uncertain significance. Review status: criteria provided, multiple submitters, no conflicts (2 of 4 stars). 2 submissions from 2 submitters: Uncertain significance (2). Last evaluated 2025-06-03.

Conditions:
Hereditary nonpolyposis colorectal neoplasms. Identifiers: MedGen C0009405, MeSH D003123.
Hereditary cancer-predisposing syndrome. Also called: Hereditary Cancer Syndrome; Tumor predisposition; Hereditary neoplastic syndrome; Neoplastic Syndromes, Hereditary. Identifiers: Orphanet 140162, MedGen C0027672, MeSH D009386, MONDO:0015356.

Submissions (2):

Color Diagnostics, LLC DBA Color Health
Classification: Uncertain significance for Hereditary cancer-predisposing syndrome. Last evaluated: 2025-06-03. Review status: criteria provided, single submitter. Criteria: ACMG Guidelines, 2015. Collection method: clinical testing. Allele origin: germline.
Comment: This missense variant replaces valine with leucine at codon 594 of the MSH6 protein. Computational prediction suggests that this variant may not impact protein structure and function. To our knowledge, functional studies have not been reported for this variant. This variant has not been reported in individuals affected with MSH6-related disorders in the literature. This variant has not been identified in the general population by the Genome Aggregation Database (gnomAD). The available evidence is insufficient to determine the role of this variant in disease conclusively. Therefore, this variant is classified as a Variant of Uncertain Significance.

Labcorp Genetics (formerly Invitae), Labcorp
Classification: Uncertain significance for Hereditary nonpolyposis colorectal neoplasms. Last evaluated: 2024-10-15. Review status: criteria provided, single submitter. Criteria: Invitae Variant Classification Sherloc (09022015). Collection method: clinical testing. Allele origin: germline.
Comment: This sequence change replaces valine, which is neutral and non-polar, with leucine, which is neutral and non-polar, at codon 594 of the MSH6 protein (p.Val594Leu). This variant is not present in population databases (gnomAD no frequency). This variant has not been reported in the literature in individuals affected with MSH6-related conditions. ClinVar contains an entry for this variant (Variation ID: 1057079). Invitae Evidence Modeling of protein sequence and biophysical properties (such as structural, functional, and spatial information, amino acid conservation, physicochemical variation, residue mobility, and thermodynamic stability) indicates that this missense variant is not expected to disrupt MSH6 protein function with a negative predictive value of 95%. In summary, the available evidence is currently insufficient to determine the role of this variant in disease. Therefore, it has been classified as a Variant of Uncertain Significance.

NM_000179.3(MSH6):c.1780G>C (p.Val594Leu)

Gene: MSH6 (mutS homolog 6; plus strand). Cytogenetic location: 2p16.3.
Variant type: single nucleotide variant.
Coding change: c.1780G>C on transcript NM_000179.3 (MANE Select); coding-DNA position 1780, G replaced by C.
Protein change: p.Val594Leu; replaces valine 594 with leucine.
Molecular consequence: missense variant.
Genome position (GRCh38, 1-based): chr2:47,799,763, G>C. VCF-style: chr2-47799763-G-C. GRCh37 (hg19) VCF-style: chr2-48026902-G-C.
Other names: c.1390G>C, p.Val464Leu (NM_001281492.2); c.874G>C, p.Val292Leu (NM_001281493.2, NM_001281494.2); short protein forms V464L, V594L, V292L.
Identifiers: ClinVar variation 1057079 (VCV001057079.10), dbSNP rs757029447, ClinGen allele CA346749237.